The following is an entry in ClinVar:

NM_001999.4(FBN2):c.2249-195T>C

Gene: FBN2 (fibrillin 2; minus strand). Cytogenetic location: 5q23.3.
Variant type: single nucleotide variant.
Coding change: c.2249-195T>C on transcript NM_001999.4 (MANE Select); 195 bases into the intron before coding-DNA position 2249, T replaced by C.
Molecular consequence: intron variant.
Genome position (GRCh38, 1-based): chr5:128,366,625, A>G on the plus strand (T>C on the coding strand, the complement: FBN2 is on the minus strand). VCF-style: chr5-128366625-A-G. GRCh37 (hg19) VCF-style: chr5-127702318-A-G.
Identifiers: ClinVar variation 674543 (VCV000674543.1), dbSNP rs140295103, ClinGen allele CA127033390.

ClinVar aggregate classification (germline): Likely benign (1 of 4 stars; one submission).

Allele frequency attached by ClinVar (database versions not stated): gnomAD 0.00374 and 0.00392; TOPMed 0.00429; 1000 Genomes Project 0.00519; 1000 Genomes Project 30x 0.00578.
gnomAD v4.1: 560 of 152,196 alleles (0.37%); highest among the groups gnomAD compares: African/African-American, 1.3%; 3 homozygotes.

Submission:

GeneDx
Classification: Likely benign. Last evaluated: 2018-06-14. Review status: criteria provided, single submitter. Criteria: GeneDx Variant Classification (06012015). Collection method: clinical testing. Allele origin: germline. Affected: yes.
Comment: This variant is considered likely benign or benign based on one or more of the following criteria: it is a conservative change, it occurs at a poorly conserved position in the protein, it is predicted to be benign by multiple in silico algorithms, and/or has population frequency not consistent with disease.